The following is an entry in ClinVar:

ClinVar aggregate classification (germline): Pathogenic/Likely pathogenic. Review status: criteria provided, multiple submitters, no conflicts (2 of 4 stars). 5 submissions from 5 submitters: Pathogenic (1); Likely pathogenic (4). Last evaluated 2026-03-06.

Conditions:
Bethlem myopathy 1A. Also called: MYOPATHY, BENIGN CONGENITAL, WITH CONTRACTURES; Bethlem Muscular Dystrophy; Bethlem myopathy 1. Identifiers: Orphanet 610, MedGen CN029274, MONDO:0024530, OMIM 158810.
Ullrich congenital muscular dystrophy 1A. Also called: Intermediate COL6-RD; Ullrich congenital muscular dystrophy 1. Identifiers: Orphanet 75840, MedGen C0410179, MONDO:0009681, OMIM 254090.

Allele frequency attached by ClinVar (database versions not stated): gnomAD exomes 0.00002; TOPMed below 0.00001.
gnomAD v4.1: 26 of 1,611,828 alleles (0.0016%); highest among the groups gnomAD compares: Non-Finnish European, 0.002%; no homozygotes.

Submissions (5):

GeneDx
Classification: Likely pathogenic. Last evaluated: 2026-03-06. Review status: criteria provided, single submitter. Criteria: GeneDx Variant Classification Process June 2021. Collection method: clinical testing. Allele origin: germline.
Comment: Canonical splice site variant predicted to result in an in-frame loss of the adjacent exon in a gene for which loss of function is a known mechanism of disease; Not observed at significant frequency in large population cohorts (gnomAD); Deletions involving coding exons of this gene are a known mechanism of disease (HGMD); This variant is associated with the following publications: (PMID: 35533453)

3billion
Classification: Pathogenic for Ullrich congenital muscular dystrophy 1A. Last evaluated: 2025-10-27. Review status: criteria provided, single submitter. Criteria: ACMG Guidelines, 2015. Collection method: clinical testing. Allele origin: germline. Affected: yes.
Comment: The variant is observed at an extremely low frequency in the gnomAD v4.1.0 dataset (total allele frequency: 0.002%). Predicted Consequence/Location: Canonical splice site: predicted to alter splicing and result in a loss or disruption of normal protein function. Multiple pathogenic loss-of-function variants are reported downstream of the variant. In silico tools predict the variant to alter splicing and produce an abnormal transcript [SpliceAI: 0.99 (spliceogenicity >=0.2, non-spliceogenicity <0.1)]. The variant has been reported at least twice as pathogenic with clinical assertions and evidence for the classification (ClinVar ID: VCV000648076 /PMID: 35533453). Therefore, this variant is classified as Pathogenic according to the recommendation of ACMG/AMP guideline.

Labcorp Genetics (formerly Invitae), Labcorp
Classification: Likely pathogenic for Bethlem myopathy 1A. Last evaluated: 2024-03-04. Review status: criteria provided, single submitter. Criteria: Invitae Variant Classification Sherloc (09022015). Collection method: clinical testing. Allele origin: germline.
Comment: This sequence change affects a donor splice site in intron 23 of the COL6A1 gene. It is expected to disrupt RNA splicing. Variants that disrupt the donor or acceptor splice site typically lead to a loss of protein function (PMID: 16199547), and loss-of-function variants in COL6A1 are known to be disease-causing for autosomal recessive COL6A1-related conditions (PMID: 21280092, 20976770). However, certain variants affecting donor or acceptor splice sites in the triple helical domain of COL6A1 are expected to result in in-frame exon skipping and have been reported to cause autosomal dominant COL6A1-related conditions (PMID: 18366090). This variant is not present in population databases (gnomAD no frequency). Disruption of this splice site has been observed in individual(s) with autosomal recessive Ullrich congenital muscular dystrophy (PMID: 35533453). ClinVar contains an entry for this variant (Variation ID: 648076). Algorithms developed to predict the effect of sequence changes on RNA splicing suggest that this variant may disrupt the consensus splice site. In summary, the currently available evidence indicates that the variant is pathogenic, but additional data are needed to prove that conclusively. Therefore, this variant has been classified as Likely Pathogenic.

Fulgent Genetics
Classification: Likely pathogenic for Bethlem myopathy 1A; Ullrich congenital muscular dystrophy 1A. Last evaluated: 2021-09-10. Review status: criteria provided, single submitter. Criteria: ACMG Guidelines, 2015. Collection method: clinical testing. Allele origin: unknown.

Mendelics
Classification: Likely pathogenic for Bethlem myopathy 1A. Last evaluated: 2019-05-28. Review status: criteria provided, single submitter. Criteria: Mendelics Assertion Criteria 2017. Collection method: clinical testing. Allele origin: unknown.

Literature cited by the submitters: PubMed 35533453 (cited by 3billion and Labcorp Genetics (formerly Invitae), Labcorp); PubMed 16199547 (cited by Labcorp Genetics (formerly Invitae), Labcorp); PubMed 21280092 (cited by Labcorp Genetics (formerly Invitae), Labcorp); PubMed 20976770 (cited by Labcorp Genetics (formerly Invitae), Labcorp); PubMed 18366090 (cited by Labcorp Genetics (formerly Invitae), Labcorp).

NM_001848.3(COL6A1):c.1575+1G>A

Gene: COL6A1 (collagen type VI alpha 1 chain; plus strand). Cytogenetic location: 21q22.3.
Variant type: single nucleotide variant.
Coding change: c.1575+1G>A on transcript NM_001848.3 (MANE Select); the canonical splice donor site of the intron after coding-DNA position 1575, G replaced by A.
Molecular consequence: splice donor variant.
Genome position (GRCh38, 1-based): chr21:45,998,172, G>A. VCF-style: chr21-45998172-G-A. GRCh37 (hg19) VCF-style: chr21-47418086-G-A.
Identifiers: ClinVar variation 648076 (VCV000648076.13), dbSNP rs1002726737, ClinGen allele CA321972427.